The following is an entry in ClinVar:

ClinVar aggregate classification (germline): Benign. Review status: criteria provided, multiple submitters, no conflicts (2 of 4 stars). 2 submissions from 2 submitters: Benign (2). Last evaluated 2016-03-28.

Allele frequency attached by ClinVar (database versions not stated): 1000 Genomes Project 0.03634; 1000 Genomes Project 30x 0.03638; gnomAD 0.05482; TOPMed 0.05587; ESP Exome Variant Server 0.06761; ExAC 0.09460.
gnomAD v4.1: 134,037 of 1,604,624 alleles (8.4%); highest among the groups gnomAD compares: South Asian, 9.5%; 6,301 homozygotes.

Submissions (2):

Laboratory for Molecular Medicine, Mass General Brigham Personalized Medicine
Classification: Benign. Last evaluated: 2016-03-28. Review status: criteria provided, single submitter. Criteria: LMM Criteria. Collection method: clinical testing. Allele origin: germline.
Comment: Variant identified in a genome or exome case(s) and assessed due to predicted null impact of the variant or pathogenic assertions in the literature or databases. Disclaimer: This variant has not undergone full assessment. The following are preliminary notes: Frequency

Breakthrough Genomics
Classification: Benign. Review status: criteria provided, single submitter. Criteria: ACMG Guidelines, 2015. Collection method: not provided. Allele origin: germline. Inheritance: Autosomal dominant inheritance. Affected: yes.

NM_002458.3(MUC5B):c.14057C>T (p.Thr4686Met)

Gene: MUC5B (mucin 5B, oligomeric mucus/gel-forming; plus strand). Cytogenetic location: 11p15.5.
Variant type: single nucleotide variant.
Coding change: c.14057C>T on transcript NM_002458.3 (MANE Select); coding-DNA position 14057, C replaced by T.
Protein change: p.Thr4686Met; replaces threonine 4686 with methionine.
Molecular consequence: missense variant.
Genome position (GRCh38, 1-based): chr11:1,250,937, C>T. VCF-style: chr11-1250937-C-T. GRCh37 (hg19) VCF-style: chr11-1272167-C-T.
Other names: short protein forms T4686M.
Identifiers: ClinVar variation 403178 (VCV000403178.5), dbSNP rs4963058, ClinGen allele CA5808537.
Genomic context (GRCh38, chr11:1,250,937, plus strand): 5'-CACCCTCCTCTAGCACACAGACCAGTGGTACTCCCCCATCACTGACCACCACGGCCACTA[C>T]GATCACGGCCACCGGCTCCACCACCAACCCCTCCTCAACTCCAGGGACAACACCCATCAC-3'
Protein context (NP_002449.2, residues 4676-4696): TPPSLTTTAT[Thr4686Met]ITATGSTTNP